The following is an entry in ClinVar:

NM_000138.5(FBN1):c.2721A>G (p.Gln907=)

Gene: FBN1 (fibrillin 1; minus strand). Cytogenetic location: 15q21.1.
Variant type: single nucleotide variant.
Coding change: c.2721A>G on transcript NM_000138.5 (MANE Select); coding-DNA position 2721, A replaced by G.
Protein change: p.Gln907=; no amino-acid change (glutamine 907 retained).
Molecular consequence: synonymous variant.
Genome position (GRCh38, 1-based): chr15:48,494,211, T>C on the plus strand (A>G on the coding strand, the complement: FBN1 is on the minus strand). VCF-style: chr15-48494211-T-C. GRCh37 (hg19) VCF-style: chr15-48786408-T-C.
Identifiers: ClinVar variation 457178 (VCV000457178.22), dbSNP rs781062880, ClinGen allele CA048536.

ClinVar aggregate classification (germline): Likely benign. Review status: criteria provided, multiple submitters, no conflicts (2 of 4 stars). 6 submissions from 6 submitters: Likely benign (6). Last evaluated 2026-04-02.

Conditions:
Marfan syndrome (MFS). Also called: MARFAN SYNDROME, TYPE I; Marfan's syndrome; Marfan syndrome, classic; Marfan syndrome type 1; FBN1-Related Marfan Syndrome. Identifiers: Orphanet 284963, Orphanet 558, MedGen C0024796, MONDO:0007947, OMIM 154700.
Familial thoracic aortic aneurysm and aortic dissection (TAAD). Also called: Thoracic aortic aneurysms and dissections. Identifiers: Orphanet 91387, MedGen C4707243, MONDO:0019625.

Allele frequency attached by ClinVar (database versions not stated): gnomAD exomes 0.00001; TOPMed 0.00003.
gnomAD v4.1: 8 of 1,611,982 alleles (0.0005%); highest among the groups gnomAD compares: Admixed American, 0.0083%; no homozygotes.

Submissions (6):

Women's Health and Genetics/Laboratory Corporation of America, LabCorp
Classification: Likely benign. Last evaluated: 2026-04-02. Review status: criteria provided, single submitter. Criteria: LabCorp Variant Classification Summary - May 2015. Collection method: clinical testing. Allele origin: germline.

Labcorp Genetics (formerly Invitae), Labcorp
Classification: Likely benign for Marfan syndrome; Familial thoracic aortic aneurysm and aortic dissection. Last evaluated: 2025-11-25. Review status: criteria provided, single submitter. Criteria: Invitae Variant Classification Sherloc (09022015). Collection method: clinical testing. Allele origin: germline.

CeGaT Center for Human Genetics Tuebingen
Classification: Likely benign. Last evaluated: 2025-09-01. Review status: criteria provided, single submitter. Criteria: CeGaT Center For Human Genetics Tuebingen Variant Classification Criteria Version 2. Collection method: clinical testing. Allele origin: germline. Affected: yes. Observed: 1 variant allele.
Comment: FBN1: BP4, BP7

Ambry Genetics
Classification: Likely benign for Familial thoracic aortic aneurysm and aortic dissection. Last evaluated: 2023-11-29. Review status: criteria provided, single submitter. Criteria: Ambry Variant Classification Scheme 2023. Collection method: clinical testing. Allele origin: germline.

All of Us Research Program, National Institutes of Health
Classification: Likely benign for Marfan syndrome. Last evaluated: 2023-11-20. Review status: criteria provided, single submitter. Criteria: ACMG Guidelines, 2015. Collection method: clinical testing. Allele origin: germline. Inheritance: Autosomal dominant inheritance. Observed: 4 variant alleles, 4 heterozygotes.
Comment: This study involves interpretation of variants in research participants for the purpose of population health screening. Participant phenotype was not available at the time of variant classification. Additional details can be found in publication PMID: 35346344, PMCID: PMC8962531

Color Diagnostics, LLC DBA Color Health
Classification: Likely benign for Familial thoracic aortic aneurysm and aortic dissection. Last evaluated: 2019-12-09. Review status: criteria provided, single submitter. Criteria: ACMG Guidelines, 2015. Collection method: clinical testing. Allele origin: germline.